The following is an entry in ClinVar:

ClinVar aggregate classification (germline): Conflicting classifications of pathogenicity. Review status: criteria provided, conflicting classifications (1 of 4 stars). 4 submissions from 4 submitters: Uncertain significance (1); Benign (1); Likely benign (2). Last evaluated 2026-04-16.

Conditions:
Hereditary cancer-predisposing syndrome. Also called: Hereditary Cancer Syndrome; Hereditary neoplastic syndrome; Neoplastic Syndromes, Hereditary; Tumor predisposition. Identifiers: Orphanet 140162, MedGen C0027672, MeSH D009386, MONDO:0015356.
DICER1-related tumor predisposition. Also called: DICER1-related pleuropulmonary blastoma cancer predisposition syndrome; DICER1 syndrome. Identifiers: Orphanet 284343, MedGen C3839822, MONDO:0100216.

Allele frequency attached by ClinVar (database versions not stated): gnomAD exomes below 0.00001; TOPMed below 0.00001; gnomAD 0.00001.
gnomAD v4.1: 3 of 1,613,960 alleles (0.00019%); highest among the groups gnomAD compares: Non-Finnish European, 0.00025%; no homozygotes.

Submissions (4):

Myriad Genetics, Inc.
Classification: Benign for DICER1-related tumor predisposition. Last evaluated: 2026-04-16. Review status: criteria provided, single submitter. Criteria: Myriad Autosomal Dominant, Autosomal Recessive and X-Linked Classification Criteria (2023). Collection method: clinical testing. Allele origin: unknown.
Comment: This variant is considered benign. This variant is a silent/synonymous amino acid change and it is not expected to impact splicing.

Labcorp Genetics (formerly Invitae), Labcorp
Classification: Likely benign for DICER1-related tumor predisposition. Last evaluated: 2025-09-10. Review status: criteria provided, single submitter. Criteria: Invitae Variant Classification Sherloc (09022015). Collection method: clinical testing. Allele origin: germline.

Quest Diagnostics Nichols Institute San Juan Capistrano
Classification: Uncertain significance. Last evaluated: 2024-07-17. Review status: criteria provided, single submitter. Criteria: Quest Diagnostics criteria. Collection method: clinical testing. Allele origin: unknown.
Comment: The DICER1 c.2076A>G (p.Arg692=) synonymous variant has not been reported in individuals with DICER1-related conditions in the published literature. The frequency of this variant in the general population, 0.000004 (1/251382 chromosomes (Genome Aggregation Database)), is uninformative in the assessment of its pathogenicity. Analysis of this variant using software algorithms for the prediction of the effect of nucleotide changes on splicing yielded predictions that this variant does not affect DICER1 mRNA splicing. Based on the available information, we are unable to determine the clinical significance of this variant.

Ambry Genetics
Classification: Likely benign for Hereditary cancer-predisposing syndrome. Last evaluated: 2019-05-22. Review status: criteria provided, single submitter. Criteria: Ambry Variant Classification Scheme 2023. Collection method: clinical testing. Allele origin: germline.

NM_177438.3(DICER1):c.2076A>G (p.Arg692=)

Gene: DICER1 (dicer 1, ribonuclease III; minus strand). Cytogenetic location: 14q32.13.
Variant type: single nucleotide variant.
Coding change: c.2076A>G on transcript NM_177438.3 (MANE Select); coding-DNA position 2076, A replaced by G.
Protein change: p.Arg692=; no amino-acid change (arginine 692 retained).
Molecular consequence: synonymous variant.
Genome position (GRCh38, 1-based): chr14:95,112,212, T>C on the plus strand (A>G on the coding strand, the complement: DICER1 is on the minus strand). VCF-style: chr14-95112212-T-C. GRCh37 (hg19) VCF-style: chr14-95578549-T-C.
Other names: c.2076A>G, p.Arg692= (NM_001195573.1, NM_001271282.3, NM_001291628.2 and 1 more transcripts).
Identifiers: ClinVar variation 733785 (VCV000733785.16), dbSNP rs1045097916, ClinGen allele CA265912743.